The following is an entry in ClinVar:

ClinVar aggregate classification (germline): Likely pathogenic. Review status: criteria provided, single submitter (1 of 4 stars). 2 submissions from 2 submitters: Likely pathogenic (1). 1 of the submissions does not count toward it. Last evaluated 2021-01-16.

Conditions:
Hereditary spastic paraplegia 49 (HSAN9). Also called: Spastic paraplegia 49, autosomal recessive; NEUROPATHY, HEREDITARY SENSORY AND AUTONOMIC, TYPE IX, WITH DEVELOPMENTAL DELAY; TECPR2-Related Hereditary Sensory and Autonomic Neuropathy with Intellectual Disability. Identifiers: Orphanet 320385, MedGen C5190860, MONDO:0014016, OMIM 615031.

Submissions (2):

Institute of Human Genetics, University of Leipzig Medical Center
Classification: Likely pathogenic for Hereditary spastic paraplegia 49. Last evaluated: 2021-01-16. Review status: criteria provided, single submitter. Criteria: ACMG Guidelines, 2015. Collection method: clinical testing. Allele origin: inherited. Inheritance: Autosomal recessive inheritance. Affected: yes. Observed: 2 variant alleles, 2 homozygotes. Clinical features observed: Recurrent respiratory infections (HP:0002205), Global developmental delay (HP:0001263), Microcephaly (HP:0000252), Hypotonia (HP:0001252), Seizure (HP:0001250), Dysphagia (HP:0002015), Partial agenesis of the corpus callosum (HP:0001338), Cerebral atrophy (HP:0002059), Cerebellar atrophy (HP:0001272).
Comment: This stop gained variant c.4103G>A, p.(Trp1368*) in exon 20/20 of TECPR2 has not been reported in the general population. Biallelic truncating or missense variants have been described to cause â€œSpastic paraplegia 49, autosomal recessiveâ€ (Oz-Levi et al. Am J Hum Genet. 2012, PMID: 23176824). Taken together, we classify this variant as likely pathogenic based on the ACMG recommendations (Richards et al., 2015, PMID 25741868; criteria: PVS1 PM2).

OMIM
Classification: Pathogenic for NEUROPATHY, HEREDITARY SENSORY AND AUTONOMIC, TYPE IX, WITH DEVELOPMENTAL DELAY. Last evaluated: 2021-10-19. Review status: no assertion criteria provided. Collection method: literature only. Allele origin: germline. Not counted in ClinVar's aggregate classification.

Literature cited by the submitters: PubMed 33847017 (cited by OMIM).

NM_014844.5(TECPR2):c.4103G>A (p.Trp1368Ter)

Gene: TECPR2 (tectonin beta-propeller repeat containing 2; plus strand). Cytogenetic location: 14q32.31.
Variant type: single nucleotide variant.
Coding change: c.4103G>A on transcript NM_014844.5 (MANE Select); coding-DNA position 4103, G replaced by A.
Protein change: p.Trp1368Ter; replaces tryptophan 1368 with a stop codon.
Molecular consequence: nonsense.
Genome position (GRCh38, 1-based): chr14:102,498,124, G>A. VCF-style: chr14-102498124-G-A. GRCh37 (hg19) VCF-style: chr14-102964461-G-A.
Other names: short protein forms W1368*.
Identifiers: ClinVar variation 996007 (VCV000996007.4), dbSNP rs1891340555, ClinGen allele CA391059410.